The following is an entry in ClinVar:

NM_001378452.1(ITPR1):c.3199G>A (p.Gly1067Ser)

Gene: ITPR1 (inositol 1,4,5-trisphosphate receptor type 1; plus strand). Cytogenetic location: 3p26.1.
Variant type: single nucleotide variant.
Coding change: c.3199G>A on transcript NM_001378452.1 (MANE Select); coding-DNA position 3199, G replaced by A.
Protein change: p.Gly1067Ser; replaces glycine 1067 with serine.
Molecular consequence: missense variant.
Genome position (GRCh38, 1-based): chr3:4,683,423, G>A. VCF-style: chr3-4683423-G-A. GRCh37 (hg19) VCF-style: chr3-4725107-G-A.
Other names: c.3172G>A, p.Gly1058Ser (NM_001099952.4); c.3154G>A, p.Gly1052Ser (NM_001168272.2); c.3127G>A, p.Gly1043Ser (NM_002222.7); c.3127G>A (NM_002222.5, NM_002222.6); short protein forms G1043S, G1052S, G1058S, G1067S.
Identifiers: ClinVar variation 1098659 (VCV001098659.4), dbSNP rs776099053, ClinGen allele CA2231625.

ClinVar aggregate classification (germline): Uncertain significance. Review status: criteria provided, multiple submitters, no conflicts (2 of 4 stars). 4 submissions from 4 submitters: Uncertain significance (4). Last evaluated 2024-06-07.

Conditions:
Spinocerebellar ataxia type 29 (SCA29). Also called: Spinocerebellar ataxia 29, congenital nonprogressive; CEREBELLAR ATAXIA, CONGENITAL NONPROGRESSIVE, AUTOSOMAL DOMINANT. Identifiers: Orphanet 208513, MedGen C1861732, MONDO:0007298, OMIM 117360.
Spinocerebellar ataxia type 15/16 (SCA15). Also called: Spinocerebellar Ataxia Type 15. Identifiers: Orphanet 98769, MedGen C1847725, MONDO:0011694, OMIM 606658.
Gillespie syndrome (GLSP). Also called: Aniridia, cerebellar ataxia, and mental deficiency; Aniridia-cerebellar ataxia-intellectual disability syndrome. Identifiers: Orphanet 1065, MedGen C0431401, MONDO:0008795, OMIM 206700.

Allele frequency attached by ClinVar (database versions not stated): gnomAD exomes 0.00001 and below 0.00001; TOPMed 0.00001; ExAC 0.00001; gnomAD 0.00001.
gnomAD v4.1: 15 of 1,613,876 alleles (0.00093%); highest among the groups gnomAD compares: Admixed American, 0.0017%; no homozygotes.

Submissions (4):

Blueprint Genetics
Classification: Uncertain significance. Last evaluated: 2024-06-07. Review status: criteria provided, single submitter. Criteria: ACMG Guidelines, 2015. Collection method: clinical testing. Allele origin: germline.

Fulgent Genetics
Classification: Uncertain significance for Spinocerebellar ataxia type 29; Gillespie syndrome; Spinocerebellar ataxia type 15/16. Last evaluated: 2024-05-22. Review status: criteria provided, single submitter. Criteria: ACMG Guidelines, 2015. Collection method: clinical testing. Allele origin: germline.

GeneDx
Classification: Uncertain significance. Last evaluated: 2024-02-05. Review status: criteria provided, single submitter. Criteria: GeneDx Variant Classification Process June 2021. Collection method: clinical testing. Allele origin: germline. Affected: yes.
Comment: In silico analysis supports that this missense variant has a deleterious effect on protein structure/function; Has not been previously published as pathogenic or benign to our knowledge

New York Genome Center
Classification: Uncertain significance for Spinocerebellar ataxia type 29. Last evaluated: 2020-06-26. Review status: criteria provided, single submitter. Criteria: NYGC Assertion Criteria 2020. Collection method: clinical testing. Allele origin: germline. Observed: 1 heterozygote. Study: CSER-NYCKidSeq.